The following is an entry in ClinVar:

ClinVar aggregate classification (germline): Uncertain significance (1 of 4 stars; one submission).

Conditions:
Hereditary cancer-predisposing syndrome. Also called: Tumor predisposition; Hereditary neoplastic syndrome; Neoplastic Syndromes, Hereditary; Hereditary Cancer Syndrome. Identifiers: Orphanet 140162, MedGen C0027672, MeSH D009386, MONDO:0015356.

Allele frequency attached by ClinVar (database versions not stated): gnomAD exomes below 0.00001.
gnomAD v4.1: 1 of 1,614,206 alleles (0.000062%); highest among the groups gnomAD compares: Non-Finnish European, 0.000085%; no homozygotes.

Submission:

Ambry Genetics
Classification: Uncertain significance for Hereditary cancer-predisposing syndrome. Last evaluated: 2026-08-17. Review status: criteria provided, single submitter. Criteria: Ambry Variant Classification Scheme 2023. Collection method: clinical testing. Allele origin: germline.
Comment: The p.L134S variant (also known as c.401T>C), located in coding exon 4 of the BMPR1A gene, results from a T to C substitution at nucleotide position 401. The leucine at codon 134 is replaced by serine, an amino acid with dissimilar properties. This amino acid position is highly conserved in available vertebrate species. In addition, this alteration is predicted to be deleterious by in silico analysis. Based on the available evidence, the clinical significance of this variant remains unclear.

NM_004329.3(BMPR1A):c.401T>C (p.Leu134Ser)

Gene: BMPR1A (bone morphogenetic protein receptor type 1A; plus strand). Cytogenetic location: 10q23.2.
Variant type: single nucleotide variant.
Coding change: c.401T>C on transcript NM_004329.3 (MANE Select); coding-DNA position 401, T replaced by C.
Protein change: p.Leu134Ser; replaces leucine 134 with serine.
Molecular consequence: missense variant.
Genome position (GRCh38, 1-based): chr10:86,899,861, T>C. VCF-style: chr10-86899861-T-C. GRCh37 (hg19) VCF-style: chr10-88659618-T-C.
Other names: short protein forms L134S.
Identifiers: ClinVar variation 824510 (VCV000824510.6), dbSNP rs1589768063, ClinGen allele CA377449746.